The following is an entry in ClinVar:

NM_003907.3(EIF2B5):c.1261G>T (p.Glu421Ter)

Gene: EIF2B5 (eukaryotic translation initiation factor 2B subunit epsilon; plus strand). Cytogenetic location: 3q27.1.
Variant type: single nucleotide variant.
Coding change: c.1261G>T on transcript NM_003907.3 (MANE Select); coding-DNA position 1261, G replaced by T.
Protein change: p.Glu421Ter; replaces glutamic acid 421 with a stop codon.
Molecular consequence: nonsense.
Genome position (GRCh38, 1-based): chr3:184,142,029, G>T. VCF-style: chr3-184142029-G-T. GRCh37 (hg19) VCF-style: chr3-183859817-G-T.
Other names: short protein forms E421*.
Identifiers: ClinVar variation 3646741 (VCV003646741.2).

ClinVar aggregate classification (germline): Pathogenic (1 of 4 stars; one submission).

Submission:

Labcorp Genetics (formerly Invitae), Labcorp
Classification: Pathogenic. Last evaluated: 2024-03-19. Review status: criteria provided, single submitter. Criteria: Invitae Variant Classification Sherloc (09022015). Collection method: clinical testing. Allele origin: germline.
Comment: This sequence change creates a premature translational stop signal (p.Glu421*) in the EIF2B5 gene. It is expected to result in an absent or disrupted protein product. Loss-of-function variants in EIF2B5 are known to be pathogenic (PMID: 11704758, 15060152, 21307862). This variant is not present in population databases (gnomAD no frequency). This variant has not been reported in the literature in individuals affected with EIF2B5-related conditions. Algorithms developed to predict the effect of sequence changes on RNA splicing suggest that this variant may disrupt the consensus splice site. For these reasons, this variant has been classified as Pathogenic.

Literature cited by the submitters: PubMed 11704758; PubMed 15060152; PubMed 21307862.